The following is an entry in ClinVar:

NM_153704.6(TMEM67):c.949A>T (p.Thr317Ser)

Gene: TMEM67 (transmembrane protein 67; plus strand). Cytogenetic location: 8q22.1.
Variant type: single nucleotide variant.
Coding change: c.949A>T on transcript NM_153704.6 (MANE Select); coding-DNA position 949, A replaced by T.
Protein change: p.Thr317Ser; replaces threonine 317 with serine.
Molecular consequence: missense variant. On other transcripts: non-coding transcript variant (1).
Genome position (GRCh38, 1-based): chr8:93,780,953, A>T. VCF-style: chr8-93780953-A-T. GRCh37 (hg19) VCF-style: chr8-94793181-A-T.
Other names: c.706A>T, p.Thr236Ser (NM_001142301.1); short protein forms T236S, T317S.
Identifiers: ClinVar variation 2106181 (VCV002106181.4), dbSNP rs756685729, ClinGen allele CA4807817.

ClinVar aggregate classification (germline): Uncertain significance (1 of 4 stars; one submission).

Conditions:
Joubert syndrome. Also called: CEREBELLOPARENCHYMAL DISORDER IV; JOUBERT-BOLTSHAUSER SYNDROME; Familial aplasia of the vermis. Identifiers: Orphanet 475, MedGen C5979921, MONDO:0018772.
Meckel-Gruber syndrome. Also called: DYSENCEPHALIA SPLANCHNOCYSTICA; GRUBER SYNDROME; Dysencephalia splachnocystica. Identifiers: Orphanet 564, MedGen C0265215, MONDO:0018921.

Allele frequency attached by ClinVar (database versions not stated): ExAC 0.00001.
gnomAD v4.1: 1 of 1,611,488 alleles (0.000062%); highest among the groups gnomAD compares: Admixed American, 0.0017%; no homozygotes.

Submission:

Labcorp Genetics (formerly Invitae), Labcorp
Classification: Uncertain significance for Joubert syndrome; Meckel-Gruber syndrome. Last evaluated: 2022-03-15. Review status: criteria provided, single submitter. Criteria: Invitae Variant Classification Sherloc (09022015). Collection method: clinical testing. Allele origin: germline.
Comment: In summary, the available evidence is currently insufficient to determine the role of this variant in disease. Therefore, it has been classified as a Variant of Uncertain Significance. Advanced modeling of protein sequence and biophysical properties (such as structural, functional, and spatial information, amino acid conservation, physicochemical variation, residue mobility, and thermodynamic stability) performed at Invitae indicates that this missense variant is not expected to disrupt TMEM67 protein function. This variant has not been reported in the literature in individuals affected with TMEM67-related conditions. This variant is present in population databases (rs756685729, gnomAD 0.003%). This sequence change replaces threonine, which is neutral and polar, with serine, which is neutral and polar, at codon 317 of the TMEM67 protein (p.Thr317Ser).